The following is an entry in ClinVar:

NM_001267550.2(TTN):c.75423_75430delinsTAA (p.Thr25142fs)

Genes: TTN (titin; minus strand), TTN-AS1 (TTN antisense RNA 1; plus strand). Cytogenetic location: 2q31.2.
Variant type: Indel.
Coding change: c.75423_75430delinsTAA on transcript NM_001267550.2 (MANE Select); coding-DNA positions 75423 to 75430, AACCATTC replaced by TAA.
Protein change: p.Thr25142fs; shifts the reading frame from threonine 25142.
Molecular consequence: frameshift variant.
Genome position (GRCh38, 1-based): chr2:178,570,702-178,570,709, GAATGGTT replaced by TTA on the plus strand (AACCATTC replaced by TAA on the coding strand, the reverse complement: TTN is on the minus strand). VCF-style: chr2-178570702-GAATGGTT-TTA. GRCh37 (hg19) VCF-style: chr2-179435429-GAATGGTT-TTA.
Other names: c.70500_70507delinsTAA, p.Thr23501fs (NM_001256850.1); c.48228_48235delinsTAA, p.Thr16077fs (NM_003319.4); c.67719_67726delinsTAA, p.Thr22574fs (NM_133378.4); c.48603_48610delinsTAA, p.Thr16202fs (NM_133432.3); c.48804_48811delinsTAA, p.Thr16269fs (NM_133437.4); short protein forms T16077fs, T16202fs, T16269fs, T22574fs, T23501fs, T25142fs.
Identifiers: ClinVar variation 1879499 (VCV001879499.27), dbSNP rs2468461819, ClinGen allele CA2580064663.
Genomic context (GRCh38, chr2:178,570,702, plus strand): 5'-CGGTGCTCTTTATTTCTAATCGAGCTGTGTTTGAAAGCTCCTGATCACCTTTTATCCACT[GAATGGTT>TTA]GGTATTGGTTTGCCATAAATATCTGCATCAACCTTGAATGATTCACCAGCATGAACCACG-3'

ClinVar aggregate classification (germline): Pathogenic (1 of 4 stars; one submission).

Submission:

CeGaT Center for Human Genetics Tuebingen
Classification: Pathogenic. Last evaluated: 2022-11-01. Review status: criteria provided, single submitter. Criteria: CeGaT Center For Human Genetics Tuebingen Variant Classification Criteria Version 2. Collection method: clinical testing. Allele origin: germline. Affected: yes. Observed: 1 variant allele.
Comment: TTN: PVS1, PM2